The following is an entry in ClinVar:

ClinVar aggregate classification (germline): Uncertain significance. Review status: criteria provided, multiple submitters, no conflicts (2 of 4 stars). 2 submissions from 2 submitters: Uncertain significance (2). Last evaluated 2025-08-14.

Conditions:
Autosomal dominant childhood-onset proximal spinal muscular atrophy with contractures (SMALED2A). Also called: SPINAL MUSCULAR ATROPHY, LOWER EXTREMITY-PREDOMINANT, 2A, CHILDHOOD ONSET, AUTOSOMAL DOMINANT; Spinal muscular atrophy, lower extremity-predominant, 2A, autosomal dominant. Identifiers: Orphanet 363447, Orphanet 363454, MedGen C4747715, MONDO:0014121, OMIM 615290.
Inborn genetic diseases. Identifiers: MedGen C0950123, MeSH D030342.

Allele frequency attached by ClinVar (database versions not stated): ExAC below 0.00001; gnomAD 0.00001; TOPMed 0.00001.
gnomAD v4.1: 10 of 1,590,534 alleles (0.00063%); highest among the groups gnomAD compares: East Asian, 0.0046%; no homozygotes.

Submissions (2):

Labcorp Genetics (formerly Invitae), Labcorp
Classification: Uncertain significance for Autosomal dominant childhood-onset proximal spinal muscular atrophy with contractures. Last evaluated: 2025-08-14. Review status: criteria provided, single submitter. Criteria: Invitae Variant Classification Sherloc (09022015). Collection method: clinical testing. Allele origin: germline.
Comment: This sequence change replaces glutamic acid, which is acidic and polar, with glutamine, which is neutral and polar, at codon 45 of the BICD2 protein (p.Glu45Gln). This variant is not present in population databases (gnomAD no frequency). This variant has not been reported in the literature in individuals affected with BICD2-related conditions. ClinVar contains an entry for this variant (Variation ID: 1047146). Invitae Evidence Modeling of protein sequence and biophysical properties (such as structural, functional, and spatial information, amino acid conservation, physicochemical variation, residue mobility, and thermodynamic stability) indicates that this missense variant is not expected to disrupt BICD2 protein function with a negative predictive value of 80%. In summary, the available evidence is currently insufficient to determine the role of this variant in disease. Therefore, it has been classified as a Variant of Uncertain Significance.

Ambry Genetics
Classification: Uncertain significance for Inborn genetic diseases. Last evaluated: 2025-08-04. Review status: criteria provided, single submitter. Criteria: Ambry Variant Classification Scheme 2023. Collection method: clinical testing. Allele origin: germline.

NM_001003800.2(BICD2):c.133G>C (p.Glu45Gln)

Gene: BICD2 (BICD cargo adaptor 2; minus strand). Cytogenetic location: 9q22.31.
Variant type: single nucleotide variant.
Coding change: c.133G>C on transcript NM_001003800.2 (MANE Select); coding-DNA position 133, G replaced by C.
Protein change: p.Glu45Gln; replaces glutamic acid 45 with glutamine.
Molecular consequence: missense variant.
Genome position (GRCh38, 1-based): chr9:92,764,612, C>G on the plus strand (G>C on the coding strand, the complement: BICD2 is on the minus strand). VCF-style: chr9-92764612-C-G. GRCh37 (hg19) VCF-style: chr9-95526894-C-G.
Other names: c.133G>C, p.Glu45Gln (NM_015250.4); c.133G>C (NM_001003800.1); short protein forms E45Q.
Identifiers: ClinVar variation 1047146 (VCV001047146.10), dbSNP rs776420993, ClinGen allele CA5126876.